The following is an entry in ClinVar:

NM_000283.4(PDE6B):c.1135C>T (p.Leu379Phe)

Gene: PDE6B (phosphodiesterase 6B; plus strand). Cytogenetic location: 4p16.3.
Variant type: single nucleotide variant.
Coding change: c.1135C>T on transcript NM_000283.4 (MANE Select); coding-DNA position 1135, C replaced by T.
Protein change: p.Leu379Phe; replaces leucine 379 with phenylalanine.
Molecular consequence: missense variant. On other transcripts: 5 prime UTR variant (1).
Genome position (GRCh38, 1-based): chr4:656,901, C>T. VCF-style: chr4-656901-C-T. GRCh37 (hg19) VCF-style: chr4-650690-C-T.
Other names: c.1135C>T, p.Leu379Phe (NM_001145291.2); c.298C>T, p.Leu100Phe (NM_001145292.2, NM_001350154.3, NM_001379246.1 and 1 more transcripts); c.-21C>T (NM_001350155.3); short protein forms L379F, L100F.
Identifiers: ClinVar variation 1443622 (VCV001443622.6), dbSNP rs2109214383, ClinGen allele CA355913077.

ClinVar aggregate classification (germline): Uncertain significance (1 of 4 stars; one submission).

Submission:

Labcorp Genetics (formerly Invitae), Labcorp
Classification: Uncertain significance. Last evaluated: 2022-06-05. Review status: criteria provided, single submitter. Criteria: Invitae Variant Classification Sherloc (09022015). Collection method: clinical testing. Allele origin: germline.
Comment: This sequence change replaces leucine, which is neutral and non-polar, with phenylalanine, which is neutral and non-polar, at codon 379 of the PDE6B protein (p.Leu379Phe). This variant is not present in population databases (gnomAD no frequency). This variant has not been reported in the literature in individuals affected with PDE6B-related conditions. ClinVar contains an entry for this variant (Variation ID: 1443622). Algorithms developed to predict the effect of missense changes on protein structure and function (SIFT, PolyPhen-2, Align-GVGD) all suggest that this variant is likely to be tolerated. In summary, the available evidence is currently insufficient to determine the role of this variant in disease. Therefore, it has been classified as a Variant of Uncertain Significance.